The following is an entry in ClinVar:

NC_012920.1(MT-RNR1):m.1303G>A

Gene: MT-RNR1 (mitochondrially encoded 12S RNA; plus strand).
Variant type: single nucleotide variant.
Genome position: chrM-1303-G-A.
Identifiers: ClinVar variation 667050 (VCV000667050.4), dbSNP rs879036775, ClinGen allele CA337096027.

ClinVar aggregate classification (germline): Benign (1 of 4 stars; one submission).

Submission:

Laboratory for Molecular Medicine, Mass General Brigham Personalized Medicine
Classification: Benign. Last evaluated: 2018-09-06. Review status: criteria provided, single submitter. Criteria: LMM Criteria. Collection method: clinical testing. Allele origin: germline. Observed: 1 variant allele.
Comment: The m.1303G>A variant in MTRNR1 is classified as benign because it has been iden tified at high frequency in several haplogroups as shown in MitoMap (.), including 15% (20/131) of M5a and 1.61% (14/870) of U5a (BA1).